The following is an entry in ClinVar:

NM_001267550.2(TTN):c.29590G>C (p.Glu9864Gln)

Gene: TTN (titin; minus strand). Cytogenetic location: 2q31.2.
Variant type: single nucleotide variant.
Coding change: c.29590G>C on transcript NM_001267550.2 (MANE Select); coding-DNA position 29590, G replaced by C.
Protein change: p.Glu9864Gln; replaces glutamic acid 9864 with glutamine.
Molecular consequence: missense variant. On other transcripts: intron variant (3).
Genome position (GRCh38, 1-based): chr2:178,705,188, C>G on the plus strand (G>C on the coding strand, the complement: TTN is on the minus strand). VCF-style: chr2-178705188-C-G. GRCh37 (hg19) VCF-style: chr2-179569915-C-G.
Other names: c.28639G>C, p.Glu9547Gln (NM_001256850.1); c.25858G>C, p.Glu8620Gln (NM_133378.4); c.13282+32894G>C (NM_003319.4); c.13858+32894G>C (NM_133437.4); c.13657+32894G>C (NM_133432.3); short protein forms E9547Q, E8620Q, E9864Q.
Identifiers: ClinVar variation 681071 (VCV000681071.3), dbSNP rs776836480, ClinGen allele CA349580172.

ClinVar aggregate classification (germline): Conflicting classifications of pathogenicity. Review status: criteria provided, conflicting classifications (1 of 4 stars). 2 submissions from 2 submitters: Uncertain significance (1); Likely benign (1). Last evaluated 2020-09-04.

Conditions:
Cardiomyopathy (CMYO). Also called: Cardiomyopathies. Identifiers: Orphanet 167848, MedGen C0878544, MONDO:0004994, HP:0001638. Inheritance: Various modes of inheritance.

gnomAD v4.1: 4 of 1,613,256 alleles (0.00025%); highest among the groups gnomAD compares: Non-Finnish European, 0.00034%; no homozygotes.

Submissions (2):

CHEO Genetics Diagnostic Laboratory, Children's Hospital of Eastern Ontario
Classification: Uncertain significance for Cardiomyopathy. Last evaluated: 2020-09-04. Review status: criteria provided, single submitter. Criteria: ACMG Guidelines, 2015. Collection method: clinical testing. Allele origin: germline.

GeneDx
Classification: Likely benign. Last evaluated: 2018-03-22. Review status: criteria provided, single submitter. Criteria: GeneDx Variant Classification (06012015). Collection method: clinical testing. Allele origin: germline. Affected: yes.
Comment: This variant is considered likely benign or benign based on one or more of the following criteria: it is a conservative change, it occurs at a poorly conserved position in the protein, it is predicted to be benign by multiple in silico algorithms, and/or has population frequency not consistent with disease.